The following is an entry in ClinVar:

ClinVar aggregate classification (germline): Likely benign. Review status: criteria provided, single submitter (1 of 4 stars). 2 submissions from 2 submitters: Likely benign (1). 1 of the submissions does not count toward it. Last evaluated 2025-10-22.

Conditions:
NUP205-related disorder. Also called: NUP205-related condition.

Allele frequency attached by ClinVar (database versions not stated): 1000 Genomes Project 30x 0.00016; 1000 Genomes Project 0.00020; ExAC 0.00085; gnomAD exomes 0.00086; TOPMed 0.00096; gnomAD 0.00112 and 0.00117; ESP Exome Variant Server 0.00123.
gnomAD v4.1: 2,398 of 1,521,498 alleles (0.16%); highest among the groups gnomAD compares: Non-Finnish European, 0.2%; 2 homozygotes.

Submissions (2):

Labcorp Genetics (formerly Invitae), Labcorp
Classification: Likely benign. Last evaluated: 2025-10-22. Review status: criteria provided, single submitter. Criteria: Invitae Variant Classification Sherloc (09022015). Collection method: clinical testing. Allele origin: germline.

PreventionGenetics, part of Exact Sciences
Classification: Likely benign for NUP205-related condition. Last evaluated: 2019-03-12. Review status: no assertion criteria provided. Collection method: clinical testing. Allele origin: germline. Not counted in ClinVar's aggregate classification.
Comment: This variant is classified as likely benign based on ACMG/AMP sequence variant interpretation guidelines (Richards et al. 2015 PMID: 25741868, with internal and published modifications).

NM_015135.3(NUP205):c.4330+10G>A

Gene: NUP205 (nucleoporin 205; plus strand). Cytogenetic location: 7q33.
Variant type: single nucleotide variant.
Coding change: c.4330+10G>A on transcript NM_015135.3 (MANE Select); 10 bases into the intron after coding-DNA position 4330, G replaced by A.
Molecular consequence: intron variant.
Genome position (GRCh38, 1-based): chr7:135,619,898, G>A. VCF-style: chr7-135619898-G-A. GRCh37 (hg19) VCF-style: chr7-135304646-G-A.
Other names: c.4330+10G>A (NM_015135.2); c.3256+10G>A (NM_001329434.2).
Identifiers: ClinVar variation 1464363 (VCV001464363.10), dbSNP rs201214950, ClinGen allele CA4498852.